The following is an entry in ClinVar:

GRCh37/hg19 4p15.32-15.31(chr4:16830399-17805183)x3

Genes: CLRN2 (clarin 2; plus strand), LAP3 (leucine aminopeptidase 3; plus strand), LDB2 (LIM domain binding 2; minus strand), MED28 (mediator complex subunit 28; plus strand), QDPR (quinoid dihydropteridine reductase; minus strand) and 2 more. Cytogenetic location: 4p15.32-15.31.
Variant type: copy number gain.
Change: copy number 3 (three copies instead of two) of chr4:16,830,399-17,805,183 (974.8 kb, GRCh37 coordinates, 1-based), cytogenetic band 4p15.32-15.31.
Identifiers: ClinVar variation 202218 (VCV000202218.4).

ClinVar aggregate classification (germline): Uncertain significance (1 of 4 stars; one submission).

Submission:

Cytogenetics Laboratory, University of Washington
Classification: Uncertain significance. Last evaluated: 2015-01-15. Review status: criteria provided, single submitter. Criteria: UW Cytogenetics and Genomics Laboratory Policy on CNV Interpretation (5/6/2015). Collection method: clinical testing. Allele origin: unknown. Affected: yes. Observed: 1 variant allele.